The following is an entry in ClinVar:

NM_000522.5(HOXA13):c.1002A>G (p.Leu334=)

Gene: HOXA13 (homeobox A13; minus strand). Cytogenetic location: 7p15.2.
Variant type: single nucleotide variant.
Coding change: c.1002A>G on transcript NM_000522.5 (MANE Select); coding-DNA position 1002, A replaced by G.
Protein change: p.Leu334=; no amino-acid change (leucine 334 retained).
Molecular consequence: synonymous variant.
Genome position (GRCh38, 1-based): chr7:27,198,363, T>C on the plus strand (A>G on the coding strand, the complement: HOXA13 is on the minus strand). VCF-style: chr7-27198363-T-C. GRCh37 (hg19) VCF-style: chr7-27237982-T-C.
Identifiers: ClinVar variation 713824 (VCV000713824.35), dbSNP rs35608915, ClinGen allele CA4198565.
Genomic context (GRCh38, chr7:27,198,363, plus strand): 5'-CCGCCTCCGTTTGTCCTTAGTAATGAATTTATTCGTGGCGTATTCCCGTTCAAGTTCTTT[T>C]AATTGCACCTTGGTATAAGGCACGCGCTTCTTTCTCCCCCTCCTATAGGAGCTGGCATCC-3'
Protein context (NP_000513.2, residues 324-344): KKRVPYTKVQ[Leu334=]KELEREYATN

ClinVar aggregate classification (germline): Benign/Likely benign. Review status: criteria provided, multiple submitters, no conflicts (2 of 4 stars). 5 submissions from 5 submitters: Benign (1); Likely benign (2). 2 of the submissions do not count toward it. Last evaluated 2025-12-25.

Allele frequency attached by ClinVar (database versions not stated): 1000 Genomes Project 30x 0.00078; 1000 Genomes Project 0.00100; ExAC 0.00181; gnomAD exomes 0.00182 and 0.00314; TOPMed 0.00194; gnomAD 0.00206 and 0.00215; ESP Exome Variant Server 0.00284.

Submissions (5):

Labcorp Genetics (formerly Invitae), Labcorp
Classification: Benign. Last evaluated: 2025-12-25. Review status: criteria provided, single submitter. Criteria: Invitae Variant Classification Sherloc (09022015). Collection method: clinical testing. Allele origin: germline.

Blueprint Genetics
Classification: Likely benign. Last evaluated: 2024-11-27. Review status: criteria provided, single submitter. Criteria: ACMG Guidelines, 2015. Collection method: clinical testing. Allele origin: germline.

CeGaT Center for Human Genetics Tuebingen
Classification: Likely benign. Last evaluated: 2023-01-01. Review status: criteria provided, single submitter. Criteria: CeGaT Center For Human Genetics Tuebingen Variant Classification Criteria Version 2. Collection method: clinical testing. Allele origin: germline. Affected: yes. Observed: 1 variant allele.
Comment: HOXA13: BP4, BP7

Clinical Genetics DNA and cytogenetics Diagnostics Lab, Erasmus MC, Erasmus Medical Center
Classification: Likely benign. Review status: no assertion criteria provided. Collection method: clinical testing. Allele origin: germline. Affected: yes. Study: VKGL Data-share Consensus. Not counted in ClinVar's aggregate classification.

Genome Diagnostics Laboratory, University Medical Center Utrecht
Classification: Likely benign. Review status: no assertion criteria provided. Collection method: clinical testing. Allele origin: germline. Affected: yes. Study: VKGL Data-share Consensus. Not counted in ClinVar's aggregate classification.